The following is an entry in ClinVar:

ClinVar aggregate classification (germline): Uncertain significance (1 of 4 stars; one submission).

gnomAD v4.1: 1 of 1,613,932 alleles (0.000062%); highest among the groups gnomAD compares: East Asian, 0.0022%; no homozygotes.

Submission:

Labcorp Genetics (formerly Invitae), Labcorp
Classification: Uncertain significance. Last evaluated: 2025-09-15. Review status: criteria provided, single submitter. Criteria: Invitae Variant Classification Sherloc (09022015). Collection method: clinical testing. Allele origin: germline.
Comment: This sequence change replaces serine, which is neutral and polar, with arginine, which is basic and polar, at codon 884 of the CACNA1D protein (p.Ser884Arg). This variant is not present in population databases (gnomAD no frequency). This variant has not been reported in the literature in individuals affected with CACNA1D-related conditions. Invitae Evidence Modeling of protein sequence and biophysical properties (such as structural, functional, and spatial information, amino acid conservation, physicochemical variation, residue mobility, and thermodynamic stability) indicates that this missense variant is not expected to disrupt CACNA1D protein function with a negative predictive value of 80%. Algorithms developed to predict the effect of sequence changes on RNA splicing suggest that this variant may disrupt the consensus splice site. In summary, the available evidence is currently insufficient to determine the role of this variant in disease. Therefore, it has been classified as a Variant of Uncertain Significance.

NM_001128840.3(CACNA1D):c.2592C>G (p.Ser864Arg)

Gene: CACNA1D (calcium voltage-gated channel subunit alpha1 D; plus strand). Cytogenetic location: 3p21.1.
Variant type: single nucleotide variant.
Coding change: c.2592C>G on transcript NM_001128840.3 (MANE Select); coding-DNA position 2592, C replaced by G.
Protein change: p.Ser864Arg; replaces serine 864 with arginine.
Molecular consequence: missense variant.
Genome position (GRCh38, 1-based): chr3:53,732,933, C>G. VCF-style: chr3-53732933-C-G. GRCh37 (hg19) VCF-style: chr3-53766960-C-G.
Other names: c.2652C>G, p.Ser884Arg (NM_000720.4); c.2592C>G, p.Ser864Arg (NM_001128839.3); short protein forms S864R, S884R.
Identifiers: ClinVar variation 4744591 (VCV004744591.1).